The following is an entry in ClinVar:

ClinVar aggregate classification (germline): Benign/Likely benign. Review status: criteria provided, multiple submitters, no conflicts (2 of 4 stars). 3 submissions from 3 submitters: Benign (1); Likely benign (2). Last evaluated 2026-01-24.

Conditions:
Imerslund-Grasbeck syndrome. Also called: ENTEROCYTE COBALAMIN MALABSORPTION; ENTEROCYTE INTRINSIC FACTOR RECEPTOR, DEFECT OF; Megaloblastic anemia due to inborn errors of metabolism; PERNICIOUS ANEMIA, JUVENILE, DUE TO SELECTIVE INTESTINAL MALABSORPTION OF VITAMIN B12, WITH PROTEINURIA; Imerslund-Gräsbeck syndrome. Identifiers: Orphanet 35858, MedGen C4551825, MONDO:0009853.

Allele frequency attached by ClinVar (database versions not stated): gnomAD exomes 0.00005 and 0.00018; ExAC 0.00024; gnomAD 0.00072 and 0.00078; TOPMed 0.00080; ESP Exome Variant Server 0.00092; 1000 Genomes Project 0.00140; 1000 Genomes Project 30x 0.00141.
gnomAD v4.1: 187 of 1,613,778 alleles (0.012%); highest among the groups gnomAD compares: African/African-American, 0.23%; no homozygotes.

Submissions (3):

Labcorp Genetics (formerly Invitae), Labcorp
Classification: Benign for Imerslund-Grasbeck syndrome. Last evaluated: 2026-01-24. Review status: criteria provided, single submitter. Criteria: Invitae Variant Classification Sherloc (09022015). Collection method: clinical testing. Allele origin: germline.

Mayo Clinic Laboratories, Mayo Clinic
Classification: Likely benign. Last evaluated: 2025-07-12. Review status: criteria provided, single submitter. Criteria: ACMG Guidelines, 2015. Collection method: clinical testing. Allele origin: germline. Observed: 1 variant allele.
Comment: BP4, BP7

Blueprint Genetics
Classification: Likely benign. Last evaluated: 2024-06-05. Review status: criteria provided, single submitter. Criteria: ACMG Guidelines, 2015. Collection method: clinical testing. Allele origin: germline.

NM_001081.4(CUBN):c.4671T>G (p.Leu1557=)

Gene: CUBN (cubilin; minus strand). Cytogenetic location: 10p13.
Variant type: single nucleotide variant.
Coding change: c.4671T>G on transcript NM_001081.4 (MANE Select); coding-DNA position 4671, T replaced by G.
Protein change: p.Leu1557=; no amino-acid change (leucine 1557 retained).
Molecular consequence: synonymous variant.
Genome position (GRCh38, 1-based): chr10:16,982,508, A>C on the plus strand (T>G on the coding strand, the complement: CUBN is on the minus strand). VCF-style: chr10-16982508-A-C. GRCh37 (hg19) VCF-style: chr10-17024507-A-C.
Other names: p.Leu1557=.
Identifiers: ClinVar variation 696464 (VCV000696464.13), dbSNP rs151197305, ClinGen allele CA5424314.